The following is an entry in ClinVar:

ClinVar aggregate classification (germline): Uncertain significance (1 of 4 stars; one submission).

Conditions:
Developmental and epileptic encephalopathy, 30 (DEE30). Also called: Epileptic encephalopathy, early infantile, 30. Identifiers: MedGen C4225360, MONDO:0014595, OMIM 616341.

Submission:

Labcorp Genetics (formerly Invitae), Labcorp
Classification: Uncertain significance for Developmental and epileptic encephalopathy, 30. Last evaluated: 2023-06-11. Review status: criteria provided, single submitter. Criteria: Invitae Variant Classification Sherloc (09022015). Collection method: clinical testing. Allele origin: germline.
Comment: This sequence change replaces proline, which is neutral and non-polar, with serine, which is neutral and polar, at codon 188 of the SIK1 protein (p.Pro188Ser). This variant is not present in population databases (gnomAD no frequency). In summary, the available evidence is currently insufficient to determine the role of this variant in disease. Therefore, it has been classified as a Variant of Uncertain Significance. An algorithm developed to predict the effect of missense changes on protein structure and function (PolyPhen-2) suggests that this variant is likely to be disruptive. This variant has not been reported in the literature in individuals affected with SIK1-related conditions.

NM_173354.5(SIK1):c.562C>T (p.Pro188Ser)

Gene: SIK1 (salt inducible kinase 1; minus strand). Cytogenetic location: 21q22.3.
Variant type: single nucleotide variant.
Coding change: c.562C>T on transcript NM_173354.5 (MANE Select); coding-DNA position 562, C replaced by T.
Protein change: p.Pro188Ser; replaces proline 188 with serine.
Molecular consequence: missense variant.
Genome position (GRCh38, 1-based): chr21:43,421,305, G>A on the plus strand (C>T on the coding strand, the complement: SIK1 is on the minus strand). VCF-style: chr21-43421305-G-A. GRCh37 (hg19) VCF-style: chr21-44841185-G-A.
Other names: short protein forms P188S.
Identifiers: ClinVar variation 2710359 (VCV002710359.3), dbSNP rs2516967526, ClinGen allele CA410609907.